The following is an entry in ClinVar:

NM_002439.5(MSH3):c.1967T>A (p.Ile656Lys)

Gene: MSH3 (mutS homolog 3; plus strand). Cytogenetic location: 5q14.1.
Variant type: single nucleotide variant.
Coding change: c.1967T>A on transcript NM_002439.5 (MANE Select); coding-DNA position 1967, T replaced by A.
Protein change: p.Ile656Lys; replaces isoleucine 656 with lysine.
Molecular consequence: missense variant.
Genome position (GRCh38, 1-based): chr5:80,768,003, T>A. VCF-style: chr5-80768003-T-A. GRCh37 (hg19) VCF-style: chr5-80063822-T-A.
Other names: short protein forms I656K.
Identifiers: ClinVar variation 951041 (VCV000951041.9), dbSNP rs1744151374, ClinGen allele CA360277587.

ClinVar aggregate classification (germline): Uncertain significance (1 of 4 stars; one submission).

Submission:

Labcorp Genetics (formerly Invitae), Labcorp
Classification: Uncertain significance. Last evaluated: 2020-02-26. Review status: criteria provided, single submitter. Criteria: Invitae Variant Classification Sherloc (09022015). Collection method: clinical testing. Allele origin: germline.
Comment: This sequence change replaces isoleucine with lysine at codon 656 of the MSH3 protein (p.Ile656Lys). The isoleucine residue is moderately conserved and there is a moderate physicochemical difference between isoleucine and lysine. This variant is not present in population databases (ExAC no frequency). This variant has not been reported in the literature in individuals with MSH3-related conditions. Algorithms developed to predict the effect of missense changes on protein structure and function (SIFT, PolyPhen-2, Align-GVGD) all suggest that this variant is likely to be tolerated, but these predictions have not been confirmed by published functional studies and their clinical significance is uncertain. In summary, the available evidence is currently insufficient to determine the role of this variant in disease. Therefore, it has been classified as a Variant of Uncertain Significance.